The following is an entry in ClinVar:

NM_000276.4(OCRL):c.2418_2419delinsTA (p.Glu806_Leu807delinsAspMet)

Gene: OCRL (OCRL inositol polyphosphate-5-phosphatase; plus strand). Cytogenetic location: Xq26.1.
Variant type: Indel.
Coding change: c.2418_2419delinsTA on transcript NM_000276.4 (MANE Select); coding-DNA positions 2418 to 2419, GC replaced by TA.
Protein change: p.Glu806_Leu807delinsAspMet.
Molecular consequence: missense variant.
Genome position (GRCh38, 1-based): chrX:129,588,962-129,588,963, GC replaced by TA. VCF-style: chrX-129588962-GC-TA. GRCh37 (hg19) VCF-style: chrX-128722939-GC-TA.
Other names: c.2421_2422delinsTA, p.Glu807_Leu808delinsAspMet (NM_001318784.2); c.2394_2395delinsTA, p.Glu798_Leu799delinsAspMet (NM_001587.4).
Identifiers: ClinVar variation 1431323 (VCV001431323.6), dbSNP rs2124429709, ClinGen allele CA2573159295.
Genomic context (GRCh38, chrX:129,588,962, plus strand): 5'-TGTGGCTGAAGCACTGCTCATTTTCTTGGAAGCCCTGCCAGAGCCAGTCATCTGTTACGA[GC>TA]TGTATCAGCGATGTCTTGACTCTGCTTATGATCCCCGGATCTGCCGACAGGTGGGTTCTA-3'

ClinVar aggregate classification (germline): Uncertain significance (1 of 4 stars; one submission).

Conditions:
Lowe syndrome (OCRL). Also called: Oculocerebrorenal Syndrome; LOWE OCULOCEREBRORENAL SYNDROME; PHOSPHATIDYLINOSITOL 4,5-BISPHOSPHATE 5-PHOSPHATASE DEFICIENCY. Identifiers: Orphanet 534, MedGen C0028860, MONDO:0010645, OMIM 309000.

Submission:

Labcorp Genetics (formerly Invitae), Labcorp
Classification: Uncertain significance for Lowe syndrome. Last evaluated: 2021-07-06. Review status: criteria provided, single submitter. Criteria: Invitae Variant Classification Sherloc (09022015). Collection method: clinical testing. Allele origin: germline.
Comment: Experimental studies and prediction algorithms are not available or were not evaluated, and the functional significance of this variant is currently unknown. This variant, c.2418_2419delinsTA, is a complex sequence change that results in the deletion of glutamic acid and leucine and insertion of aspartic acid and methionine amino acid(s) in the OCRL protein (p.Glu806_Leu807delinsAspMet). The frequency data for this variant in the population databases is not available, as this variant may be reported as separate entries in the ExAC database. This variant has not been reported in the literature in individuals affected with OCRL-related conditions. In summary, the available evidence is currently insufficient to determine the role of this variant in disease. Therefore, it has been classified as a Variant of Uncertain Significance.